The following is an entry in ClinVar:

NM_003036.4(SKI):c.1958G>A (p.Gly653Asp)

Gene: SKI (SKI proto-oncogene; plus strand). Cytogenetic location: 1p36.32.
Variant type: single nucleotide variant.
Coding change: c.1958G>A on transcript NM_003036.4 (MANE Select); coding-DNA position 1958, G replaced by A.
Protein change: p.Gly653Asp; replaces glycine 653 with aspartic acid.
Molecular consequence: missense variant.
Genome position (GRCh38, 1-based): chr1:2,306,210, G>A. VCF-style: chr1-2306210-G-A. GRCh37 (hg19) VCF-style: chr1-2237649-G-A.
Other names: short protein forms G653D.
Identifiers: ClinVar variation 3767067 (VCV003767067.1).

ClinVar aggregate classification (germline): Uncertain significance (1 of 4 stars; one submission).

Conditions:
Shprintzen-Goldberg syndrome (SGS). Also called: SHPRINTZEN-GOLDBERG CRANIOSYNOSTOSIS SYNDROME; CRANIOSYNOSTOSIS WITH ARACHNODACTYLY AND ABDOMINAL HERNIAS; Marfanoid disorder with craniosynostosis type 1; Marfanoid craniosynostosis syndrome; Shprintzen-Goldberg marfanoid syndrome. Identifiers: Orphanet 2462, MedGen C1321551, MONDO:0008426, OMIM 182212.

Submission:

ARUP Laboratories, Molecular Genetics and Genomics, ARUP Laboratories
Classification: Uncertain significance for Shprintzen-Goldberg syndrome. Last evaluated: 2024-08-19. Review status: criteria provided, single submitter. Criteria: ARUP Molecular Germline Variant Investigation Process 2024. Collection method: clinical testing. Allele origin: germline.
Comment: The SKI c.1958G>A; p.Gly653Asp variant, to our knowledge, is not reported in the medical literature or gene specific databases. This variant is also absent from the Genome Aggregation Database (v2.1.1), indicating it is not a common polymorphism. Computational analyses are uncertain whether this variant is neutral or deleterious (REVEL: 0.631). Due to limited information, the clinical significance of this variant is uncertain at this time.